The following is an entry in ClinVar:

NM_006922.4(SCN3A):c.2329A>T (p.Met777Leu)

Gene: SCN3A (sodium voltage-gated channel alpha subunit 3; minus strand). Cytogenetic location: 2q24.3.
Variant type: single nucleotide variant.
Coding change: c.2329A>T on transcript NM_006922.4 (MANE Select); coding-DNA position 2329, A replaced by T.
Protein change: p.Met777Leu; replaces methionine 777 with leucine.
Molecular consequence: missense variant.
Genome position (GRCh38, 1-based): chr2:165,137,941, T>A on the plus strand (A>T on the coding strand, the complement: SCN3A is on the minus strand). VCF-style: chr2-165137941-T-A. GRCh37 (hg19) VCF-style: chr2-165994451-T-A.
Other names: c.2182A>T, p.Met728Leu (NM_001081676.2, NM_001081677.2); short protein forms M777L, M728L.
Identifiers: ClinVar variation 949764 (VCV000949764.8), dbSNP rs746866750, ClinGen allele CA1938981.

ClinVar aggregate classification (germline): Uncertain significance. Review status: criteria provided, multiple submitters, no conflicts (2 of 4 stars). 3 submissions from 2 submitters: Uncertain significance (3). Last evaluated 2024-03-20.

Conditions:
Epilepsy, familial focal, with variable foci 4 (FFEVF4). Identifiers: MedGen C4693694, MONDO:0054776, OMIM 617935.
Developmental and epileptic encephalopathy, 62. Also called: Early infantile epileptic encephalopathy 62. Identifiers: MedGen C4693699, MONDO:0033371, OMIM 617938.

Allele frequency attached by ClinVar (database versions not stated): ExAC 0.00001; gnomAD exomes 0.00001 and 0.00002.
gnomAD v4.1: 3 of 1,613,388 alleles (0.00019%); highest among the groups gnomAD compares: Admixed American, 0.005%; no homozygotes.

Submissions (3):

Labcorp Genetics (formerly Invitae), Labcorp
Classification: Uncertain significance. Last evaluated: 2024-03-20. Review status: criteria provided, single submitter. Criteria: Invitae Variant Classification Sherloc (09022015). Collection method: clinical testing. Allele origin: germline.
Comment: This sequence change replaces methionine, which is neutral and non-polar, with leucine, which is neutral and non-polar, at codon 777 of the SCN3A protein (p.Met777Leu). This variant is present in population databases (rs746866750, gnomAD 0.01%). This variant has not been reported in the literature in individuals affected with SCN3A-related conditions. ClinVar contains an entry for this variant (Variation ID: 949764). Advanced modeling of protein sequence and biophysical properties (such as structural, functional, and spatial information, amino acid conservation, physicochemical variation, residue mobility, and thermodynamic stability) has been performed at Invitae for this missense variant, however the output from this modeling did not meet the statistical confidence thresholds required to predict the impact of this variant on SCN3A protein function. In summary, the available evidence is currently insufficient to determine the role of this variant in disease. Therefore, it has been classified as a Variant of Uncertain Significance.

Baylor Genetics
Classification: Uncertain significance for Developmental and epileptic encephalopathy, 62. Last evaluated: 2024-03-05. Review status: criteria provided, single submitter. Criteria: ACMG Guidelines, 2015. Collection method: clinical testing. Allele origin: unknown.

Baylor Genetics
Classification: Uncertain significance for Epilepsy, familial focal, with variable foci 4. Last evaluated: 2024-03-05. Review status: criteria provided, single submitter. Criteria: ACMG Guidelines, 2015. Collection method: clinical testing. Allele origin: unknown.